The following is an entry in ClinVar:

NM_001083961.2(WDR62):c.2271G>A (p.Leu757=)

Gene: WDR62 (WD repeat domain 62; plus strand). Cytogenetic location: 19q13.12.
Variant type: single nucleotide variant.
Coding change: c.2271G>A on transcript NM_001083961.2 (MANE Select); coding-DNA position 2271, G replaced by A.
Protein change: p.Leu757=; no amino-acid change (leucine 757 retained).
Molecular consequence: synonymous variant.
Genome position (GRCh38, 1-based): chr19:36,092,749, G>A. VCF-style: chr19-36092749-G-A. GRCh37 (hg19) VCF-style: chr19-36583651-G-A.
Other names: p.Leu757=; c.2271G>A, p.Leu757= (NM_173636.5).
Identifiers: ClinVar variation 160263 (VCV000160263.27), dbSNP rs61494900, ClinGen allele CA173909.

ClinVar aggregate classification (germline): Benign. Review status: criteria provided, multiple submitters, no conflicts (2 of 4 stars). 12 submissions from 12 submitters: Benign (10). 2 of the submissions do not count toward it. Last evaluated 2026-02-02.

Conditions:
Microcephaly 2, primary, autosomal recessive, with or without cortical malformations. Also called: WDR62 Primary Microcephaly; MICROCEPHALY 2, PRIMARY, AUTOSOMAL RECESSIVE, WITH CORTICAL MALFORMATIONS. Identifiers: Orphanet 2512, MedGen C1858535, MONDO:0011435, OMIM 604317.

Allele frequency attached by ClinVar (database versions not stated): ExAC 0.10644; 1000 Genomes Project 0.12280; gnomAD exomes 0.10374 and 0.10444; 1000 Genomes Project 30x 0.12820; gnomAD 0.13796 and 0.14221; TOPMed 0.14317; ESP Exome Variant Server 0.14570.
gnomAD v4.1: 173,189 of 1,613,952 alleles (11%); highest among the groups gnomAD compares: African/African-American, 23%; 10,458 homozygotes.

Submissions (12):

Labcorp Genetics (formerly Invitae), Labcorp
Classification: Benign. Last evaluated: 2026-02-02. Review status: criteria provided, single submitter. Criteria: Invitae Variant Classification Sherloc (09022015). Collection method: clinical testing. Allele origin: germline.

Blueprint Genetics
Classification: Benign. Last evaluated: 2024-11-28. Review status: criteria provided, single submitter. Criteria: ACMG Guidelines, 2015. Collection method: clinical testing. Allele origin: germline.

Genome-Nilou Lab
Classification: Benign for Microcephaly 2, primary, autosomal recessive, with or without cortical malformations. Last evaluated: 2021-12-05. Review status: criteria provided, single submitter. Criteria: ACMG Guidelines, 2015. Collection method: clinical testing. Allele origin: germline. Affected: no.

Mayo Clinic Laboratories, Mayo Clinic
Classification: Benign. Last evaluated: 2018-04-10. Review status: criteria provided, single submitter. Criteria: ACMG Guidelines, 2015. Collection method: clinical testing. Allele origin: germline. Observed: 135 variant alleles.

Illumina Laboratory Services, Illumina
Classification: Benign for Microcephaly 2, primary, autosomal recessive, with or without cortical malformations. Last evaluated: 2018-01-13. Review status: criteria provided, single submitter. Criteria: ICSL Variant Classification Criteria 13 December 2019. Collection method: clinical testing. Allele origin: germline.
Comment: This variant was observed in the ICSL laboratory as part of a predisposition screen in an ostensibly healthy population. It had not been previously curated by ICSL or reported in the Human Gene Mutation Database (HGMD: prior to June 1st, 2018), and was therefore a candidate for classification through an automated scoring system. Utilizing variant allele frequency, disease prevalence and penetrance estimates, and inheritance mode, an automated score was calculated to assess if this variant is too frequent to cause the disease. Based on the score and internal cut-off values, a variant classified as benign is not then subjected to further curation. The score for this variant resulted in a classification of benign for this disease.

Athena Diagnostics
Classification: Benign for Microcephaly 2, primary, autosomal recessive, with or without cortical malformations. Last evaluated: 2017-06-05. Review status: criteria provided, single submitter. Criteria: Athena Diagnostics Criteria. Collection method: clinical testing. Allele origin: germline.

GeneDx
Classification: Benign. Last evaluated: 2015-03-03. Review status: criteria provided, single submitter. Criteria: GeneDx Variant Classification Process June 2021. Collection method: clinical testing. Allele origin: germline. Affected: yes.

Genetic Services Laboratory, University of Chicago
Classification: Benign. Last evaluated: 2013-02-08. Review status: criteria provided, single submitter. Criteria: ACMG Guidelines, 2007. Collection method: clinical testing. Allele origin: germline. Inheritance: Autosomal recessive inheritance.

Breakthrough Genomics
Classification: Benign. Review status: criteria provided, single submitter. Criteria: ACMG Guidelines, 2015. Collection method: not provided. Allele origin: germline. Inheritance: Autosomal recessive inheritance. Affected: yes.

PreventionGenetics, part of Exact Sciences
Classification: Benign. Review status: criteria provided, single submitter. Criteria: ACMG Guidelines, 2015. Collection method: clinical testing. Allele origin: germline.

Clinical Genetics DNA and cytogenetics Diagnostics Lab, Erasmus MC, Erasmus Medical Center
Classification: Benign. Review status: no assertion criteria provided. Collection method: clinical testing. Allele origin: germline. Affected: yes. Study: VKGL Data-share Consensus. Not counted in ClinVar's aggregate classification.

Joint Genome Diagnostic Labs from Nijmegen and Maastricht, Radboudumc and MUMC+
Classification: Benign. Review status: no assertion criteria provided. Collection method: clinical testing. Allele origin: germline. Affected: yes. Study: VKGL Data-share Consensus. Not counted in ClinVar's aggregate classification.